The following is an entry in ClinVar:

NM_000052.7(ATP7A):c.3449T>C (p.Ile1150Thr)

Gene: ATP7A (ATPase copper transporting alpha; plus strand). Cytogenetic location: Xq21.1.
Variant type: single nucleotide variant.
Coding change: c.3449T>C on transcript NM_000052.7 (MANE Select); coding-DNA position 3449, T replaced by C.
Protein change: p.Ile1150Thr; replaces isoleucine 1150 with threonine.
Molecular consequence: missense variant. On other transcripts: non-coding transcript variant (1).
Genome position (GRCh38, 1-based): chrX:78,033,759, T>C. VCF-style: chrX-78033759-T-C. GRCh37 (hg19) VCF-style: chrX-77289257-T-C.
Other names: p.Ile1150Thr; c.3215T>C, p.Ile1072Thr (NM_001282224.2); short protein forms I1150T, I1072T.
Identifiers: ClinVar variation 210452 (VCV000210452.48), dbSNP rs201225704, ClinGen allele CA207503.

ClinVar aggregate classification (germline): Benign/Likely benign. Review status: criteria provided, multiple submitters, no conflicts (2 of 4 stars). 6 submissions from 6 submitters: Benign (2); Likely benign (3). 1 of the submissions does not count toward it. Last evaluated 2025-12-31.

Conditions:
ATP7A-related disorder. Also called: ATP7A-related condition.
Menkes kinky-hair syndrome (MNK). Also called: Menkes Disease; Classic Menkes Disease; Copper transport disease. Identifiers: Orphanet 565, MedGen C0022716, MONDO:0010651, OMIM 309400.
Cutis laxa, X-linked (OHS). Also called: Occipital horn syndrome; EDS IX. Identifiers: Orphanet 198, MedGen C0268353, MONDO:0010572, OMIM 304150.
X-linked distal spinal muscular atrophy type 3. Also called: NEURONOPATHY, DISTAL HEREDITARY MOTOR, X-LINKED; NEUROPATHY, DISTAL HEREDITARY MOTOR, X-LINKED; ATP7A-Related Distal Motor Neuropathy; SPINAL MUSCULAR ATROPHY, DISTAL, X-LINKED RECESSIVE. Identifiers: Orphanet 139557, MedGen C1845359, MONDO:0010338, OMIM 300489.

Allele frequency attached by ClinVar (database versions not stated): gnomAD exomes 0.00004 and 0.00009; ExAC 0.00008; gnomAD 0.00015 and 0.00018; TOPMed 0.00015; 1000 Genomes Project 30x 0.00021; ESP Exome Variant Server 0.00028.
gnomAD v4.1: 63 of 1,209,407 alleles (0.0052%); highest among the groups gnomAD compares: African/African-American, 0.045%; no homozygotes.

Submissions (6):

Labcorp Genetics (formerly Invitae), Labcorp
Classification: Benign for X-linked distal spinal muscular atrophy type 3; Cutis laxa, X-linked; Menkes kinky-hair syndrome. Last evaluated: 2025-12-31. Review status: criteria provided, single submitter. Criteria: Invitae Variant Classification Sherloc (09022015). Collection method: clinical testing. Allele origin: germline.

CeGaT Center for Human Genetics Tuebingen
Classification: Likely benign. Last evaluated: 2025-10-01. Review status: criteria provided, single submitter. Criteria: CeGaT Center For Human Genetics Tuebingen Variant Classification Criteria Version 2. Collection method: clinical testing. Allele origin: germline. Affected: yes. Observed: 3 variant alleles.
Comment: ATP7A: BS2

Mayo Clinic Laboratories, Mayo Clinic
Classification: Benign. Last evaluated: 2024-12-17. Review status: criteria provided, single submitter. Criteria: ACMG Guidelines, 2015. Collection method: clinical testing. Allele origin: germline. Observed: 1 variant allele.
Comment: BS1, BS2

GeneDx
Classification: Likely benign. Last evaluated: 2019-10-30. Review status: criteria provided, single submitter. Criteria: GeneDx Variant Classification Process June 2021. Collection method: clinical testing. Allele origin: germline. Affected: yes.

Genetic Services Laboratory, University of Chicago
Classification: Likely benign. Last evaluated: 2013-02-08. Review status: criteria provided, single submitter. Criteria: ACMG Guidelines, 2007. Collection method: clinical testing. Allele origin: germline.

PreventionGenetics, part of Exact Sciences
Classification: Likely benign for ATP7A-related condition. Last evaluated: 2024-04-23. Review status: no assertion criteria provided. Collection method: clinical testing. Allele origin: germline. Not counted in ClinVar's aggregate classification.
Comment: This variant is classified as likely benign based on ACMG/AMP sequence variant interpretation guidelines (Richards et al. 2015 PMID: 25741868, with internal and published modifications).